The following is an entry in ClinVar:

NM_017534.6(MYH2):c.1927G>A (p.Gly643Ser)

Genes: MYH2 (myosin heavy chain 2; minus strand), MYHAS (myosin heavy chain gene cluster antisense RNA; plus strand). Cytogenetic location: 17p13.1.
Variant type: single nucleotide variant.
Coding change: c.1927G>A on transcript NM_017534.6 (MANE Select); coding-DNA position 1927, G replaced by A.
Protein change: p.Gly643Ser; replaces glycine 643 with serine.
Molecular consequence: missense variant.
Genome position (GRCh38, 1-based): chr17:10,536,577, C>T on the plus strand (G>A on the coding strand, the complement: MYH2 is on the minus strand). VCF-style: chr17-10536577-C-T. GRCh37 (hg19) VCF-style: chr17-10439894-C-T.
Other names: c.1927G>A, p.Gly643Ser (NM_001100112.2); short protein forms G643S.
Identifiers: ClinVar variation 1509402 (VCV001509402.6), dbSNP rs781153789, ClinGen allele CA8391260.

ClinVar aggregate classification (germline): Uncertain significance (1 of 4 stars; one submission).

Conditions:
Myopathy, proximal, and ophthalmoplegia (CMYO6). Also called: MYOPATHY WITH CONGENITAL JOINT CONTRACTURES, OPHTHALMOPLEGIA, AND RIMMED VACUOLES; INCLUSION BODY MYOPATHY 3, AUTOSOMAL DOMINANT; CONGENITAL MYOPATHY 6 WITH OPHTHALMOPLEGIA. Identifiers: Orphanet 363677, Orphanet 79091, MedGen C1854106, MONDO:0011577, OMIM 605637.

Allele frequency attached by ClinVar (database versions not stated): gnomAD exomes below 0.00001 and 0.00001; ExAC 0.00001.
gnomAD v4.1: 2 of 1,613,972 alleles (0.00012%); highest among the groups gnomAD compares: Admixed American, 0.0017%; no homozygotes.

Submission:

Labcorp Genetics (formerly Invitae), Labcorp
Classification: Uncertain significance for Myopathy, proximal, and ophthalmoplegia. Last evaluated: 2025-08-18. Review status: criteria provided, single submitter. Criteria: Invitae Variant Classification Sherloc (09022015). Collection method: clinical testing. Allele origin: germline.
Comment: This sequence change replaces glycine, which is neutral and non-polar, with serine, which is neutral and polar, at codon 643 of the MYH2 protein (p.Gly643Ser). This variant is present in population databases (rs781153789, gnomAD 0.003%). This variant has not been reported in the literature in individuals affected with MYH2-related conditions. ClinVar contains an entry for this variant (Variation ID: 1509402). Invitae Evidence Modeling of protein sequence and biophysical properties (such as structural, functional, and spatial information, amino acid conservation, physicochemical variation, residue mobility, and thermodynamic stability) indicates that this missense variant is not expected to disrupt MYH2 protein function with a negative predictive value of 80%. In summary, the available evidence is currently insufficient to determine the role of this variant in disease. Therefore, it has been classified as a Variant of Uncertain Significance.